The following is an entry in ClinVar:

ClinVar aggregate classification (germline): Uncertain significance (1 of 4 stars; one submission).

Conditions:
Combined oxidative phosphorylation defect type 24. Also called: Combined oxidative phosphorylation deficiency 24. Identifiers: Orphanet 444458, MedGen C4015643, MONDO:0014547, OMIM 616239.

Allele frequency attached by ClinVar (database versions not stated): gnomAD 0.00001; gnomAD exomes 0.00001.
gnomAD v4.1: 10 of 1,613,922 alleles (0.00062%); highest among the groups gnomAD compares: South Asian, 0.0066%; no homozygotes.

Submission:

Baylor Genetics
Classification: Uncertain significance for Combined oxidative phosphorylation defect type 24. Last evaluated: 2019-03-08. Review status: criteria provided, single submitter. Criteria: ACMG Guidelines, 2015. Collection method: clinical testing. Allele origin: maternal. Affected: yes.
Comment: This variant was determined to be of uncertain significance according to ACMG Guidelines, 2015 [PMID:25741868].

NM_024678.6(NARS2):c.1303C>T (p.Arg435Cys)

Gene: NARS2 (asparaginyl-tRNA synthetase 2, mitochondrial; minus strand). Cytogenetic location: 11q14.1.
Variant type: single nucleotide variant.
Coding change: c.1303C>T on transcript NM_024678.6 (MANE Select); coding-DNA position 1303, C replaced by T.
Protein change: p.Arg435Cys; replaces arginine 435 with cysteine.
Molecular consequence: missense variant.
Genome position (GRCh38, 1-based): chr11:78,436,801, G>A on the plus strand (C>T on the coding strand, the complement: NARS2 is on the minus strand). VCF-style: chr11-78436801-G-A. GRCh37 (hg19) VCF-style: chr11-78147847-G-A.
Other names: c.622C>T, p.Arg208Cys (NM_001243251.2); short protein forms R208C, R435C.
Identifiers: ClinVar variation 1028840 (VCV001028840.1), dbSNP rs1481123553, ClinGen allele CA382178468.
Genomic context (GRCh38, chr11:78,436,801, plus strand): 5'-ACTGCAGGTAGCGTTCAAATCCCATCCCAAAACCTCCATGTGGCACAGATCCAAATCGAC[G>A]AAGGTCCAGATACCTGTTTTTCAAAAATAGAAAATCATCATCTATATATAGTATAAGACC-3'
Protein context (NP_078954.4, residues 425-445): TEVYQWYLDL[Arg435Cys]RFGSVPHGGF